The following is an entry in ClinVar:

ClinVar aggregate classification (germline): Uncertain significance. Review status: criteria provided, multiple submitters, no conflicts (2 of 4 stars). 2 submissions from 2 submitters: Uncertain significance (2). Last evaluated 2026-09-01.

Conditions:
Hypophosphatasia. Also called: Phosphoethanol-aminuria. Identifiers: Orphanet 436, MedGen C0020630, MeSH D007014, MONDO:0018570.

gnomAD v4.1: 3 of 1,614,024 alleles (0.00019%); highest among the groups gnomAD compares: Non-Finnish European, 0.00025%; no homozygotes.

Submissions (2):

Genomenon, Inc
Classification: Uncertain significance for Hypophosphatasia. Last evaluated: 2026-09-01. Review status: criteria provided, single submitter. Criteria: Genomenon Sequence Variant Interpretation Standards - Updated. Collection method: curation. Allele origin: germline. Affected: no.
Comment: ALPL c.786A>G is a synonymous variant that retains Arginine at codon 262. This variant has been reported in the published literature (PMID:39983296). It is absent or not present at a significant frequency in gnomAD. In silico models predict that this variant is possibly or probably damaging. In conclusion, we classify ALPL p.Arg262= (c.786A>G) as a variant of uncertain significance.

Labcorp Genetics (formerly Invitae), Labcorp
Classification: Uncertain significance. Last evaluated: 2025-04-13. Review status: criteria provided, single submitter. Criteria: Invitae Variant Classification Sherloc (09022015). Collection method: clinical testing. Allele origin: germline.
Comment: This sequence change affects codon 262 of the ALPL mRNA. It is a 'silent' change, meaning that it does not change the encoded amino acid sequence of the ALPL protein. This variant is not present in population databases (gnomAD no frequency). This variant has not been reported in the literature in individuals affected with ALPL-related conditions. ClinVar contains an entry for this variant (Variation ID: 3701462). Algorithms developed to predict the effect of sequence changes on RNA splicing suggest that this variant may disrupt the consensus splice site. In summary, the available evidence is currently insufficient to determine the role of this variant in disease. Therefore, it has been classified as a Variant of Uncertain Significance.

Literature cited by the submitters: PubMed 39983296 (cited by Genomenon, Inc).

NM_000478.6(ALPL):c.786A>G (p.Arg262=)

Gene: ALPL (alkaline phosphatase, biomineralization associated; plus strand). Cytogenetic location: 1p36.12.
Variant type: single nucleotide variant.
Coding change: c.786A>G on transcript NM_000478.6 (MANE Select); coding-DNA position 786, A replaced by G.
Protein change: p.Arg262=; no amino-acid change (arginine 262 retained).
Molecular consequence: synonymous variant.
Genome position (GRCh38, 1-based): chr1:21,568,241, A>G. VCF-style: chr1-21568241-A-G. GRCh37 (hg19) VCF-style: chr1-21894734-A-G.
Other names: c.621A>G, p.Arg207= (NM_001127501.4); c.555A>G, p.Arg185= (NM_001177520.3); c.786A>G, p.Arg262= (NM_001369803.2, NM_001369804.2, NM_001369805.2).
Identifiers: ClinVar variation 3701462 (VCV003701462.3).